The following is an entry in ClinVar:

NM_001605.3(AARS1):c.1114A>G (p.Lys372Glu)

Gene: AARS1 (alanyl-tRNA synthetase 1; minus strand). Cytogenetic location: 16q22.1.
Variant type: single nucleotide variant.
Coding change: c.1114A>G on transcript NM_001605.3 (MANE Select); coding-DNA position 1114, A replaced by G.
Protein change: p.Lys372Glu; replaces lysine 372 with glutamic acid.
Molecular consequence: missense variant.
Genome position (GRCh38, 1-based): chr16:70,267,767, T>C on the plus strand (A>G on the coding strand, the complement: AARS1 is on the minus strand). VCF-style: chr16-70267767-T-C. GRCh37 (hg19) VCF-style: chr16-70301670-T-C.
Other names: short protein forms K372E.
Identifiers: ClinVar variation 1972427 (VCV001972427.5), dbSNP rs1288200477, ClinGen allele CA396563850.

ClinVar aggregate classification (germline): Uncertain significance (1 of 4 stars; one submission).

Conditions:
Charcot-Marie-Tooth disease type 2. Also called: Charcot-Marie-Tooth type 2. Identifiers: Orphanet 64746, MedGen C0270914, MONDO:0018993.

Allele frequency attached by ClinVar (database versions not stated): gnomAD exomes below 0.00001; TOPMed below 0.00001.
gnomAD v4.1: 1 of 1,614,160 alleles (0.000062%); highest among the groups gnomAD compares: Admixed American, 0.0017%; no homozygotes.

Submission:

Labcorp Genetics (formerly Invitae), Labcorp
Classification: Uncertain significance for Charcot-Marie-Tooth disease type 2. Last evaluated: 2023-12-06. Review status: criteria provided, single submitter. Criteria: Invitae Variant Classification Sherloc (09022015). Collection method: clinical testing. Allele origin: germline.
Comment: This sequence change replaces lysine, which is basic and polar, with glutamic acid, which is acidic and polar, at codon 372 of the AARS protein (p.Lys372Glu). This variant is present in population databases (no rsID available, gnomAD 0.003%). This variant has not been reported in the literature in individuals affected with AARS-related conditions. ClinVar contains an entry for this variant (Variation ID: 1972427). Advanced modeling of protein sequence and biophysical properties (such as structural, functional, and spatial information, amino acid conservation, physicochemical variation, residue mobility, and thermodynamic stability) performed at Invitae indicates that this missense variant is not expected to disrupt AARS protein function with a negative predictive value of 95%. In summary, the available evidence is currently insufficient to determine the role of this variant in disease. Therefore, it has been classified as a Variant of Uncertain Significance.